The following is an entry in ClinVar:

ClinVar aggregate classification (germline): Benign/Likely benign. Review status: criteria provided, multiple submitters, no conflicts (2 of 4 stars). 5 submissions from 5 submitters: Benign (4); Likely benign (1). Last evaluated 2026-02-04.

Conditions:
Sulfite oxidase deficiency due to molybdenum cofactor deficiency type A. Also called: Molybdenum cofactor deficiency, complementation group A; Molybdenum Cofactor Deficiency A. Identifiers: Orphanet 308386, Orphanet 833, MedGen C1854988, MONDO:0009643, OMIM 252150.

Allele frequency attached by ClinVar (database versions not stated): 1000 Genomes Project 0.02536; 1000 Genomes Project 30x 0.02561; TOPMed 0.05710; gnomAD 0.06160 and 0.06302; gnomAD exomes 0.06339; ExAC 0.06420; ESP Exome Variant Server 0.07035.
gnomAD v4.1: 130,298 of 1,613,750 alleles (8.1%); highest among the groups gnomAD compares: Non-Finnish European, 9.5%; 5,966 homozygotes.

Submissions (5):

Labcorp Genetics (formerly Invitae), Labcorp
Classification: Benign for Sulfite oxidase deficiency due to molybdenum cofactor deficiency type A. Last evaluated: 2026-02-04. Review status: criteria provided, single submitter. Criteria: Invitae Variant Classification Sherloc (09022015). Collection method: clinical testing. Allele origin: germline.

Blueprint Genetics
Classification: Likely benign. Last evaluated: 2024-11-26. Review status: criteria provided, single submitter. Criteria: ACMG Guidelines, 2015. Collection method: clinical testing. Allele origin: germline.

GeneDx
Classification: Benign. Last evaluated: 2021-05-05. Review status: criteria provided, single submitter. Criteria: GeneDx Variant Classification Process June 2021. Collection method: clinical testing. Allele origin: germline. Affected: yes.

Mayo Clinic Laboratories, Mayo Clinic
Classification: Benign. Last evaluated: 2018-04-10. Review status: criteria provided, single submitter. Criteria: ACMG Guidelines, 2015. Collection method: clinical testing. Allele origin: germline. Observed: 114 variant alleles.

Illumina Laboratory Services, Illumina
Classification: Benign for Sulfite oxidase deficiency due to molybdenum cofactor deficiency type A. Last evaluated: 2018-01-13. Review status: criteria provided, single submitter. Criteria: ICSL Variant Classification Criteria 13 December 2019. Collection method: clinical testing. Allele origin: germline.
Comment: This variant was observed in the ICSL laboratory as part of a predisposition screen in an ostensibly healthy population. It had not been previously curated by ICSL or reported in the Human Gene Mutation Database (HGMD: prior to June 1st, 2018), and was therefore a candidate for classification through an automated scoring system. Utilizing variant allele frequency, disease prevalence and penetrance estimates, and inheritance mode, an automated score was calculated to assess if this variant is too frequent to cause the disease. Based on the score and internal cut-off values, a variant classified as benign is not then subjected to further curation. The score for this variant resulted in a classification of benign for this disease.

NM_001358530.2(MOCS1):c.716T>A (p.Leu239His)

Gene: MOCS1 (molybdenum cofactor synthesis 1; minus strand). Cytogenetic location: 6p21.2.
Variant type: single nucleotide variant.
Coding change: c.716T>A on transcript NM_001358530.2 (MANE Select); coding-DNA position 716, T replaced by A.
Protein change: p.Leu239His; replaces leucine 239 with histidine.
Molecular consequence: missense variant. On other transcripts: non-coding transcript variant (1).
Genome position (GRCh38, 1-based): chr6:39,913,358, A>T on the plus strand (T>A on the coding strand, the complement: MOCS1 is on the minus strand). VCF-style: chr6-39913358-A-T. GRCh37 (hg19) VCF-style: chr6-39881102-A-T.
Other names: p.Leu239His; c.716T>A, p.Leu239His (NM_001075098.4, NM_001358529.2, NM_005943.6); c.455T>A, p.Leu152His (NM_001358531.2, NM_001358533.2, NM_001358534.2); short protein forms L239H, L152H.
Identifiers: ClinVar variation 356658 (VCV000356658.16), dbSNP rs7762875, ClinGen allele CA3796174.
Genomic context (GRCh38, chr6:39,913,358, plus strand): 5'-CCCATCCCTGGTCACTGACCATCAAAGGGCATATACTCTATGAAGCGCACATCCAGGGGG[A>T]GGCCCTCAGTCAAGGCCGCAAAGTCCAGGAGTTCATCCTCGTTAAGGCCTCGCATCACCA-3'
Protein context (NP_001345459.1, residues 229-249): LLDFAALTEG[Leu239His]PLDVRFIEYM